The following is an entry in ClinVar:

ClinVar aggregate classification (germline): Uncertain significance (1 of 4 stars; one submission).

Conditions:
Dyskeratosis congenita. Identifiers: Orphanet 1775, MedGen C0265965, MONDO:0015780.

Submission:

Ambry Genetics
Classification: Uncertain significance for Dyskeratosis congenita. Last evaluated: 2026-05-21. Review status: criteria provided, single submitter. Criteria: Ambry Variant Classification Scheme 2023. Collection method: clinical testing. Allele origin: germline.
Comment: The p.A276S variant (also known as c.826G>T), located in coding exon 2 of the TERT gene, results from a G to T substitution at nucleotide position 826. The alanine at codon 276 is replaced by serine, an amino acid with similar properties. This amino acid position is conserved. In addition, this alteration is predicted to be tolerated by in silico analysis. Based on the available evidence, the clinical significance of this variant remains unclear.

NM_198253.3(TERT):c.826G>T (p.Ala276Ser)

Gene: TERT (telomerase reverse transcriptase; minus strand). Cytogenetic location: 5p15.33.
Variant type: single nucleotide variant.
Coding change: c.826G>T on transcript NM_198253.3 (MANE Select); coding-DNA position 826, G replaced by T.
Protein change: p.Ala276Ser; replaces alanine 276 with serine.
Molecular consequence: missense variant. On other transcripts: non-coding transcript variant (2).
Genome position (GRCh38, 1-based): chr5:1,294,060, C>A on the plus strand (G>T on the coding strand, the complement: TERT is on the minus strand). VCF-style: chr5-1294060-C-A. GRCh37 (hg19) VCF-style: chr5-1294175-C-A.
Other names: c.826G>T, p.Ala276Ser (NM_001193376.3); short protein forms A276S.
Identifiers: ClinVar variation 4865481 (VCV004865481.1).